The following is an entry in ClinVar:

ClinVar aggregate classification (germline): Uncertain significance (1 of 4 stars; one submission).

Conditions:
Hyperkalemic periodic paralysis. Also called: Familial hyperkalemic periodic paralysis; Gamstorp disease. Identifiers: Orphanet 682, MedGen C0238357, MONDO:0008224, OMIM 170500, HP:0007215.

Submission:

Labcorp Genetics (formerly Invitae), Labcorp
Classification: Uncertain significance for Hyperkalemic periodic paralysis. Last evaluated: 2022-04-09. Review status: criteria provided, single submitter. Criteria: Invitae Variant Classification Sherloc (09022015). Collection method: clinical testing. Allele origin: germline.
Comment: In summary, the available evidence is currently insufficient to determine the role of this variant in disease. Therefore, it has been classified as a Variant of Uncertain Significance. Algorithms developed to predict the effect of missense changes on protein structure and function are either unavailable or do not agree on the potential impact of this missense change (SIFT: "Deleterious"; PolyPhen-2: "Possibly Damaging"; Align-GVGD: "Class C0"). This variant has not been reported in the literature in individuals affected with SCN4A-related conditions. This variant is not present in population databases (gnomAD no frequency). This sequence change replaces glutamic acid, which is acidic and polar, with lysine, which is basic and polar, at codon 992 of the SCN4A protein (p.Glu992Lys).

NM_000334.4(SCN4A):c.2974G>A (p.Glu992Lys)

Genes: SCN4A (sodium voltage-gated channel alpha subunit 4; minus strand), GH-LCR (growth hormone locus control region; plus strand). Cytogenetic location: 17q23.3.
Variant type: single nucleotide variant.
Coding change: c.2974G>A on transcript NM_000334.4 (MANE Select); coding-DNA position 2974, G replaced by A.
Protein change: p.Glu992Lys; replaces glutamic acid 992 with lysine.
Molecular consequence: missense variant.
Genome position (GRCh38, 1-based): chr17:63,949,408, C>T on the plus strand (G>A on the coding strand, the complement: SCN4A is on the minus strand). VCF-style: chr17-63949408-C-T. GRCh37 (hg19) VCF-style: chr17-62026768-C-T.
Other names: short protein forms E992K.
Identifiers: ClinVar variation 1909520 (VCV001909520.5), dbSNP rs1398571695, ClinGen allele CA400622148.